The following is an entry in ClinVar:

NM_004525.3(LRP2):c.666C>A (p.Cys222Ter)

Gene: LRP2 (LDL receptor related protein 2; minus strand). Cytogenetic location: 2q31.1.
Variant type: single nucleotide variant.
Coding change: c.666C>A on transcript NM_004525.3 (MANE Select); coding-DNA position 666, C replaced by A.
Protein change: p.Cys222Ter; replaces cysteine 222 with a stop codon.
Molecular consequence: nonsense.
Genome position (GRCh38, 1-based): chr2:169,292,356, G>T on the plus strand (C>A on the coding strand, the complement: LRP2 is on the minus strand). VCF-style: chr2-169292356-G-T. GRCh37 (hg19) VCF-style: chr2-170148866-G-T.
Other names: short protein forms C222*.
Identifiers: ClinVar variation 5016107 (VCV005016107.1).
Genomic context (GRCh38, chr2:169,292,356, plus strand): 5'-ATCACAAACCCAGTTTTGATAAATGCATCGGCCACTGGGGCAAGTGAACTGGTAACCACC[G>T]CAGGTCGGATAGTCTGGAATAAAGCAACAGCTGCACTCCAAAGACACAAATCACCGGGAA-3'

ClinVar aggregate classification (germline): Pathogenic (1 of 4 stars; one submission).

Conditions:
Donnai-Barrow syndrome. Also called: DBS/FOAR SYNDROME; FACIOOCULOACOUSTICORENAL SYNDROME. Identifiers: Orphanet 2143, MedGen C1857277, MONDO:0009104, OMIM 222448.

Submission:

Myriad Genetics, Inc.
Classification: Pathogenic for Donnai-Barrow syndrome. Last evaluated: 2026-07-04. Review status: criteria provided, single submitter. Criteria: Myriad Autosomal Dominant, Autosomal Recessive and X-Linked Classification Criteria (2023). Collection method: clinical testing. Allele origin: unknown.
Comment: NM_004525.2(LRP2):c.666C>A(C222*) is expected to be pathogenic in the context of Donnai-Barrow syndrome. This variant is predicted to lead to an abnormal or absent protein product due to the creation of a premature termination codon in LRP2, a gene where loss-of-function variants are known to be pathogenic. Please note: this variant was assessed in the context of healthy population screening.